The following is an entry in ClinVar:

NM_000358.3(TGFBI):c.*395C>A

Gene: TGFBI (transforming growth factor beta induced; plus strand). Cytogenetic location: 5q31.1.
Variant type: single nucleotide variant.
Coding change: c.*395C>A on transcript NM_000358.3 (MANE Select); 395 bases downstream of the stop codon, C replaced by A.
Molecular consequence: 3 prime UTR variant.
Genome position (GRCh38, 1-based): chr5:136,063,621, C>A. VCF-style: chr5-136063621-C-A. GRCh37 (hg19) VCF-style: chr5-135399310-C-A.
Identifiers: ClinVar variation 906857 (VCV000906857.5), dbSNP rs558406262, ClinGen allele CA128062281.
Genomic context (GRCh38, chr5:136,063,621, plus strand): 5'-CATAAAACATGAATCAAGCAATCCAGCCTCATGGGAAGTCCTGGCACAGTTTTTGTAAAG[C>A]CCTTGCACAGCTGGAGAAATGGCATCATTATAAGCTATGAGTTGAAATGTTCTGTCAAAT-3'

ClinVar aggregate classification (germline): Likely benign. Review status: criteria provided, multiple submitters, no conflicts (2 of 4 stars). 2 submissions from 2 submitters: Likely benign (2). Last evaluated 2018-01-12.

Conditions:
Corneal dystrophy. Identifiers: Orphanet 34533, MedGen C0010036, MONDO:0018102, HP:0001131.

Allele frequency attached by ClinVar (database versions not stated): gnomAD 0.00001 and 0.00030; TOPMed 0.00013; gnomAD exomes 0.00083; 1000 Genomes Project 30x 0.00187; 1000 Genomes Project 0.00240.
gnomAD v4.1: 85 of 200,756 alleles (0.042%); highest among the groups gnomAD compares: South Asian, 0.91%; no homozygotes.

Submissions (2):

Illumina Laboratory Services, Illumina
Classification: Likely benign for Corneal dystrophy. Last evaluated: 2018-01-12. Review status: criteria provided, single submitter. Criteria: ICSL Variant Classification Criteria 13 December 2019. Collection method: clinical testing. Allele origin: germline.
Comment: This variant was observed in the ICSL laboratory as part of a predisposition screen in an ostensibly healthy population. It had not been previously curated by ICSL or reported in the Human Gene Mutation Database (HGMD: prior to June 1st, 2018), and was therefore a candidate for classification through an automated scoring system. Utilizing variant allele frequency, disease prevalence and penetrance estimates, and inheritance mode, an automated score was calculated to assess if this variant is too frequent to cause the disease. Based on the score and internal cut-off values, a variant classified as likely benign is not then subjected to further curation. The score for this variant resulted in a classification of likely benign for this disease.

Breakthrough Genomics
Classification: Likely benign. Review status: criteria provided, single submitter. Criteria: ACMG Guidelines, 2015. Collection method: not provided. Allele origin: germline. Inheritance: Autosomal dominant inheritance. Affected: yes.